The following is an entry in ClinVar:

ClinVar aggregate classification (germline): Uncertain significance (1 of 4 stars; one submission).

gnomAD v4.1: 1 of 1,609,306 alleles (0.000062%); highest among the groups gnomAD compares: Non-Finnish European, 0.000085%; no homozygotes.

Submission:

Ambry Genetics
Classification: Uncertain significance. Last evaluated: 2025-12-15. Review status: criteria provided, single submitter. Criteria: Ambry Variant Classification Scheme 2023. Collection method: clinical testing. Allele origin: germline.
Comment: The p.I515L variant (also known as c.1543A>C) is located in coding exon 7 of the WNK2 gene. The isoleucine at codon 515 is replaced by leucine, an amino acid with highly similar properties. This change occurs in the first base pair of coding exon 7. This amino acid position is conserved. In addition, this alteration is predicted to be tolerated by in silico analysis. Based on the available evidence, the clinical significance of this variant remains unclear.

NM_006648.4(WNK2):c.1543A>C (p.Ile515Leu)

Gene: WNK2 (WNK lysine deficient protein kinase 2; plus strand). Cytogenetic location: 9q22.31.
Variant type: single nucleotide variant.
Coding change: c.1543A>C on transcript NM_006648.4 (MANE Select); coding-DNA position 1543, A replaced by C.
Protein change: p.Ile515Leu; replaces isoleucine 515 with leucine.
Molecular consequence: missense variant.
Genome position (GRCh38, 1-based): chr9:93,247,543, A>C. VCF-style: chr9-93247543-A-C. GRCh37 (hg19) VCF-style: chr9-96009825-A-C.
Other names: c.1543A>C, p.Ile515Leu (NM_001282394.3); short protein forms I515L.
Identifiers: ClinVar variation 4842073 (VCV004842073.1).